The following is an entry in ClinVar:

ClinVar aggregate classification (germline): Uncertain significance (1 of 4 stars; one submission).

Submission:

Women's Health and Genetics/Laboratory Corporation of America, LabCorp
Classification: Uncertain significance. Last evaluated: 2026-03-13. Review status: criteria provided, single submitter. Criteria: LabCorp Variant Classification Summary - May 2015. Collection method: clinical testing. Allele origin: germline.
Comment: Variant summary: F7 c.976C>T (p.Arg326Trp) results in a non-conservative amino acid change in the encoded protein sequence. Algorithms developed to predict the effect of missense changes on protein structure and function are either unavailable or do not agree on the potential impact of this missense change. The variant allele was found at a frequency of 2e-05 in 249914 control chromosomes. The available data on variant occurrences in the general population are insufficient to allow any conclusion about variant significance. This missense change (with alternative legacy nomenclature p.Arg266Trp) has been observed in an unknown state in individual(s) affected with clinical features of Congenital factor VII deficiency (example, Quitavalle_2017, Herrmann_2009) without strong evidence for causality. These report(s) do not provide unequivocal conclusions about association of the variant with Congenital factor VII deficiency. To our knowledge, no experimental evidence demonstrating an impact on protein function has been reported. The following publications have been ascertained in the context of this evaluation (PMID: 15456489, 15590402, 24711753, 14629487, 25973586, 28447100, 40257480, 37647632, 12010428, 15194538, 36078653, 15660986, 21099211, 23168073, 22327818, 8845469, 11844134, 15566361, 1420812, 20958793, 20713035, 18976247, 8125953). No submitters have cited clinical-significance assessments for this variant to ClinVar. Based on the evidence outlined above, the variant was classified as uncertain significance.

Literature cited by the submitters: PubMed 18976247; PubMed 28447100; PubMed 15194538; PubMed 37647632; PubMed 15456489; PubMed 20958793; PubMed 15660986; PubMed 15590402; PubMed 24711753; PubMed 14629487; PubMed 25973586; PubMed 40257480; PubMed 12010428; PubMed 36078653; PubMed 8125953; PubMed 23168073; PubMed 22327818; PubMed 8845469; PubMed 11844134; PubMed 15566361; PubMed 1420812; PubMed 20713035; PubMed 21099211.

NM_019616.4(F7):c.910C>T (p.Arg304Trp)

Gene: F7 (coagulation factor VII; plus strand). Cytogenetic location: 13q34.
Variant type: single nucleotide variant.
Coding change: c.910C>T on transcript NM_019616.4 (MANE Select); coding-DNA position 910, C replaced by T.
Protein change: p.Arg304Trp; replaces arginine 304 with tryptophan.
Molecular consequence: missense variant. On other transcripts: non-coding transcript variant (1).
Genome position (GRCh38, 1-based): chr13:113,118,583, C>T. VCF-style: chr13-113118583-C-T. GRCh37 (hg19) VCF-style: chr13-113772897-C-T.
Other names: c.976C>T, p.Arg326Trp (NM_000131.5); c.724C>T, p.Arg242Trp (NM_001267554.2); short protein forms R242W, R304W, R326W.
Identifiers: ClinVar variation 4847246 (VCV004847246.1).